The following is an entry in ClinVar:

NM_004371.4(COPA):c.2440T>C (p.Ser814Pro)

Gene: COPA (coat protein complex I subunit alpha; minus strand). Cytogenetic location: 1q23.2.
Variant type: single nucleotide variant.
Coding change: c.2440T>C on transcript NM_004371.4 (MANE Select); coding-DNA position 2440, T replaced by C.
Protein change: p.Ser814Pro; replaces serine 814 with proline.
Molecular consequence: missense variant.
Genome position (GRCh38, 1-based): chr1:160,295,772, A>G on the plus strand (T>C on the coding strand, the complement: COPA is on the minus strand). VCF-style: chr1-160295772-A-G. GRCh37 (hg19) VCF-style: chr1-160265562-A-G.
Other names: c.2467T>C, p.Ser823Pro (NM_001098398.2); short protein forms S814P, S823P.
Identifiers: ClinVar variation 1714126 (VCV001714126.5), dbSNP rs2525359718, ClinGen allele CA343276254.

ClinVar aggregate classification (germline): Uncertain significance (1 of 4 stars; one submission).

Conditions:
Autoimmune interstitial lung disease-arthritis syndrome. Also called: Autoinflammation and autoimmunity, systemic, with immune dysregulation. Identifiers: Orphanet 444092, MedGen C5975714, MONDO:0014629.

Submission:

Labcorp Genetics (formerly Invitae), Labcorp
Classification: Uncertain significance for Autoimmune interstitial lung disease-arthritis syndrome. Last evaluated: 2022-07-15. Review status: criteria provided, single submitter. Criteria: Invitae Variant Classification Sherloc (09022015). Collection method: clinical testing. Allele origin: germline.
Comment: Advanced modeling of protein sequence and biophysical properties (such as structural, functional, and spatial information, amino acid conservation, physicochemical variation, residue mobility, and thermodynamic stability) performed at Invitae indicates that this missense variant is not expected to disrupt COPA protein function. In summary, the available evidence is currently insufficient to determine the role of this variant in disease. Therefore, it has been classified as a Variant of Uncertain Significance. This variant has not been reported in the literature in individuals affected with COPA-related conditions. This variant is not present in population databases (gnomAD no frequency). This sequence change replaces serine, which is neutral and polar, with proline, which is neutral and non-polar, at codon 814 of the COPA protein (p.Ser814Pro).